The following is an entry in ClinVar:

NM_001244008.2(KIF1A):c.4465-10C>T

Gene: KIF1A (kinesin family member 1A; minus strand). Cytogenetic location: 2q37.3.
Variant type: single nucleotide variant.
Coding change: c.4465-10C>T on transcript NM_001244008.2 (MANE Select); 10 bases into the intron before coding-DNA position 4465, C replaced by T.
Molecular consequence: intron variant.
Genome position (GRCh38, 1-based): chr2:240,722,666, G>A on the plus strand (C>T on the coding strand, the complement: KIF1A is on the minus strand). VCF-style: chr2-240722666-G-A. GRCh37 (hg19) VCF-style: chr2-241662083-G-A.
Other names: c.4162-10C>T (NM_001379653.1, NM_001379650.1, NM_001379641.1 and 2 more transcripts); c.4438-10C>T (NM_001379645.1, NM_001379633.1); c.4288-10C>T (NM_001379635.1, NM_001379646.1); c.4159-10C>T (NM_001379640.1); c.4186-10C>T (NM_001379639.1); c.4189-10C>T (NM_001379649.1, NM_001320705.2); c.4276-10C>T (NM_001379636.1); c.4441-10C>T (NM_001379632.1); and 7 more.
Identifiers: ClinVar variation 335261 (VCV000335261.18), dbSNP rs750461872, ClinGen allele CA2207401.

ClinVar aggregate classification (germline): Conflicting classifications of pathogenicity. Review status: criteria provided, conflicting classifications (1 of 4 stars). 5 submissions from 5 submitters: Uncertain significance (1); Likely benign (4). Last evaluated 2026-04-30.

Conditions:
Hereditary spastic paraplegia 30. Identifiers: Orphanet 101010, MedGen C5235139, MONDO:0012476.
Neuropathy, hereditary sensory, type 2C. Also called: KIF1A-Related HSAN2 (HSAN2C); Hereditary sensory and autonomic neuropathy type IIC. Identifiers: Orphanet 970, MedGen C3280168, MONDO:0013634, OMIM 614213.
Intellectual disability, autosomal dominant 9 (NESCAVS). Also called: NESCAV SYNDROME; KIF1A-Related Neurodevelopmental Disorder. Identifiers: Orphanet 662367, MedGen C5393830, MONDO:0013656, OMIM 614255.
KIF1A-related disorder. Also called: KIF1A-related disorders; KIF1A-related condition.

Allele frequency attached by ClinVar (database versions not stated): gnomAD exomes 0.00004 and 0.00008; TOPMed 0.00004; gnomAD 0.00005; ExAC 0.00009.
gnomAD v4.1: 114 of 1,507,188 alleles (0.0076%); highest among the groups gnomAD compares: Non-Finnish European, 0.0093%; no homozygotes.

Submissions (5):

PreventionGenetics, part of Exact Sciences
Classification: Likely benign for KIF1A-related condition. Last evaluated: 2026-04-30. Review status: criteria provided, single submitter. Criteria: ACMG Guidelines, 2015. Collection method: clinical testing. Allele origin: germline.
Comment: This variant is classified as likely benign based on ACMG/AMP sequence variant interpretation guidelines (Richards et al. 2015 PMID: 25741868, with internal and published modifications).

Labcorp Genetics (formerly Invitae), Labcorp
Classification: Likely benign for Hereditary spastic paraplegia 30; Neuropathy, hereditary sensory, type 2C; Intellectual disability, autosomal dominant 9. Last evaluated: 2025-12-01. Review status: criteria provided, single submitter. Criteria: Invitae Variant Classification Sherloc (09022015). Collection method: clinical testing. Allele origin: germline.

Blueprint Genetics
Classification: Likely benign. Last evaluated: 2024-05-08. Review status: criteria provided, single submitter. Criteria: ACMG Guidelines, 2015. Collection method: clinical testing. Allele origin: germline.

GeneDx
Classification: Likely benign. Last evaluated: 2019-04-22. Review status: criteria provided, single submitter. Criteria: GeneDx Variant Classification Process June 2021. Collection method: clinical testing. Allele origin: germline. Affected: yes.

Illumina Laboratory Services, Illumina
Classification: Uncertain significance for Spastic paraplegia 30A, autosomal dominant. Last evaluated: 2018-01-13. Review status: criteria provided, single submitter. Criteria: ICSL Variant Classification Criteria 13 December 2019. Collection method: clinical testing. Allele origin: germline.